The following is an entry in ClinVar:

ClinVar aggregate classification (germline): Uncertain significance. Review status: criteria provided, multiple submitters, no conflicts (2 of 4 stars). 2 submissions from 2 submitters: Uncertain significance (2). Last evaluated 2024-08-14.

Conditions:
Hereditary cancer-predisposing syndrome. Also called: Hereditary Cancer Syndrome; Tumor predisposition; Neoplastic Syndromes, Hereditary; Hereditary neoplastic syndrome. Identifiers: Orphanet 140162, MedGen C0027672, MeSH D009386, MONDO:0015356.
Familial cancer of breast. Also called: Hereditary breast cancer; hereditary breast carcinoma; BREAST CANCER, FAMILIAL. Identifiers: Orphanet 227535, MedGen C0346153, MONDO:0016419, OMIM 114480. Disease mechanism: loss of function.

Submissions (2):

Ambry Genetics
Classification: Uncertain significance for Hereditary cancer-predisposing syndrome. Last evaluated: 2024-08-14. Review status: criteria provided, single submitter. Criteria: Ambry Variant Classification Scheme 2023. Collection method: clinical testing. Allele origin: germline.
Comment: The p.A339T variant (also known as c.1015G>A), located in coding exon 4 of the PALB2 gene, results from a G to A substitution at nucleotide position 1015. The alanine at codon 339 is replaced by threonine, an amino acid with similar properties. This amino acid position is conserved. In addition, this alteration is predicted to be tolerated by in silico analysis. Based on the available evidence, the clinical significance of this variant remains unclear.

Labcorp Genetics (formerly Invitae), Labcorp
Classification: Uncertain significance for Familial cancer of breast. Last evaluated: 2022-02-23. Review status: criteria provided, single submitter. Criteria: Invitae Variant Classification Sherloc (09022015). Collection method: clinical testing. Allele origin: germline.
Comment: This sequence change replaces alanine, which is neutral and non-polar, with threonine, which is neutral and polar, at codon 339 of the PALB2 protein (p.Ala339Thr). This variant is not present in population databases (gnomAD no frequency). This variant has not been reported in the literature in individuals affected with PALB2-related conditions. Algorithms developed to predict the effect of missense changes on protein structure and function (SIFT, PolyPhen-2, Align-GVGD) all suggest that this variant is likely to be tolerated. In summary, the available evidence is currently insufficient to determine the role of this variant in disease. Therefore, it has been classified as a Variant of Uncertain Significance.

NM_024675.4(PALB2):c.1015G>A (p.Ala339Thr)

Gene: PALB2 (partner and localizer of BRCA2; minus strand). Cytogenetic location: 16p12.2.
Variant type: single nucleotide variant.
Coding change: c.1015G>A on transcript NM_024675.4 (MANE Select); coding-DNA position 1015, G replaced by A.
Protein change: p.Ala339Thr; replaces alanine 339 with threonine.
Molecular consequence: missense variant.
Genome position (GRCh38, 1-based): chr16:23,635,531, C>T on the plus strand (G>A on the coding strand, the complement: PALB2 is on the minus strand). VCF-style: chr16-23635531-C-T. GRCh37 (hg19) VCF-style: chr16-23646852-C-T.
Other names: c.955G>A, p.Ala319Thr (NM_001407296.1); c.1015G>A, p.Ala339Thr (NM_001407297.1, NM_001407298.1, NM_001407299.1 and 3 more transcripts); c.130G>A, p.Ala44Thr (NM_001407304.1, NM_001407305.1, NM_001407306.1 and 5 more transcripts); short protein forms A339T, A319T, A44T.
Identifiers: ClinVar variation 2102449 (VCV002102449.5), dbSNP rs2142428379, ClinGen allele CA395134418.